The following is an entry in ClinVar:

NM_000094.4(COL7A1):c.7466A>C (p.Glu2489Ala)

Gene: COL7A1 (collagen type VII alpha 1 chain; minus strand). Cytogenetic location: 3p21.31.
Variant type: single nucleotide variant.
Coding change: c.7466A>C on transcript NM_000094.4 (MANE Select); coding-DNA position 7466, A replaced by C.
Protein change: p.Glu2489Ala; replaces glutamic acid 2489 with alanine.
Molecular consequence: missense variant.
Genome position (GRCh38, 1-based): chr3:48,570,153, T>G on the plus strand (A>C on the coding strand, the complement: COL7A1 is on the minus strand). VCF-style: chr3-48570153-T-G. GRCh37 (hg19) VCF-style: chr3-48607586-T-G.
Other names: short protein forms E2489A.
Identifiers: ClinVar variation 1470193 (VCV001470193.8), dbSNP rs2107644797, ClinGen allele CA352645708.

ClinVar aggregate classification (germline): Uncertain significance (1 of 4 stars; one submission).

Submission:

Labcorp Genetics (formerly Invitae), Labcorp
Classification: Uncertain significance. Last evaluated: 2021-06-22. Review status: criteria provided, single submitter. Criteria: Invitae Variant Classification Sherloc (09022015). Collection method: clinical testing. Allele origin: germline.
Comment: In summary, the available evidence is currently insufficient to determine the role of this variant in disease. Therefore, it has been classified as a Variant of Uncertain Significance. Advanced modeling of protein sequence and biophysical properties (such as structural, functional, and spatial information, amino acid conservation, physicochemical variation, residue mobility, and thermodynamic stability) performed at Invitae indicates that this missense variant is not expected to disrupt COL7A1 protein function. This variant has not been reported in the literature in individuals with COL7A1-related conditions. This variant is not present in population databases (ExAC no frequency). This sequence change replaces glutamic acid with alanine at codon 2489 of the COL7A1 protein (p.Glu2489Ala). The glutamic acid residue is moderately conserved and there is a moderate physicochemical difference between glutamic acid and alanine.